The following is an entry in ClinVar:

ClinVar aggregate classification (germline): Pathogenic (1 of 4 stars; one submission).

Conditions:
Rauch-Steindl syndrome (RAUST). Identifiers: Orphanet 659642, MedGen C5562061, MONDO:0859219, OMIM 619695.

Submission:

Institute of Human Genetics, FAU Erlangen, Friedrich-Alexander-Universität Erlangen-Nürnberg
Classification: Pathogenic for Rauch-Steindl syndrome. Last evaluated: 2024-04-16. Review status: criteria provided, single submitter. Criteria: Hauer et al. (Genet Med. 2018). Collection method: clinical testing. Allele origin: germline. Inheritance: Autosomal dominant inheritance. Affected: yes. Observed: 1 variant allele.
Comment: This variant has been identified by standard clinical testing. Selected ACMG criteria: Pathogenic (I):PM2;PS2;PVS1

NM_001042424.3(NSD2):c.2277C>A (p.Cys759Ter)

Gene: NSD2 (nuclear receptor binding SET domain protein 2; plus strand). Cytogenetic location: 4p16.3.
Variant type: single nucleotide variant.
Coding change: c.2277C>A on transcript NM_001042424.3 (MANE Select); coding-DNA position 2277, C replaced by A.
Protein change: p.Cys759Ter; replaces cysteine 759 with a stop codon.
Molecular consequence: nonsense.
Genome position (GRCh38, 1-based): chr4:1,953,463, C>A. VCF-style: chr4-1953463-C-A. GRCh37 (hg19) VCF-style: chr4-1955190-C-A.
Other names: c.2277C>A, p.Cys759Ter (NM_133330.3, NM_133331.3, NM_133335.4); short protein forms C759*.
Identifiers: ClinVar variation 3069179 (VCV003069179.1), dbSNP rs574794395, ClinGen allele CA355986974.